The following is an entry in ClinVar:

NM_001366385.1(CARD14):c.1850T>C (p.Met617Thr)

Gene: CARD14 (caspase recruitment domain family member 14; plus strand). Cytogenetic location: 17q25.3.
Variant type: single nucleotide variant.
Coding change: c.1850T>C on transcript NM_001366385.1 (MANE Select); coding-DNA position 1850, T replaced by C.
Protein change: p.Met617Thr; replaces methionine 617 with threonine.
Molecular consequence: missense variant. On other transcripts: non-coding transcript variant (1).
Genome position (GRCh38, 1-based): chr17:80,198,590, T>C. VCF-style: chr17-80198590-T-C. GRCh37 (hg19) VCF-style: chr17-78172389-T-C.
Other names: c.1850T>C (NM_024110.3); c.1850T>C, p.Met617Thr (NM_024110.4, NM_001257970.1); c.1139T>C, p.Met380Thr (NM_052819.3); short protein forms M380T, M617T.
Identifiers: ClinVar variation 850343 (VCV000850343.14), dbSNP rs145521869, ClinGen allele CA8817017.

ClinVar aggregate classification (germline): Uncertain significance. Review status: criteria provided, multiple submitters, no conflicts (2 of 4 stars). 3 submissions from 3 submitters: Uncertain significance (3). Last evaluated 2025-10-12.

Conditions:
Pityriasis rubra pilaris (PRP). Also called: Pityriasis rubra pilaris--familial type. Identifiers: Orphanet 2897, MedGen C0032027, MONDO:0100017, OMIM 173200, MONDO:0008251.
Psoriasis 2. Identifiers: MedGen C1864497, MONDO:0011269, OMIM 602723.
Inborn genetic diseases. Identifiers: MedGen C0950123, MeSH D030342.
Autoinflammatory syndrome. Identifiers: Orphanet 93665, MedGen C3890737, MONDO:0019751.

Allele frequency attached by ClinVar (database versions not stated): gnomAD exomes 0.00002; gnomAD 0.00006 and 0.00007; TOPMed 0.00006; ESP Exome Variant Server 0.00015; 1000 Genomes Project 0.00020; 1000 Genomes Project 30x 0.00031.
gnomAD v4.1: 43 of 1,611,738 alleles (0.0027%); highest among the groups gnomAD compares: Middle Eastern, 0.017%; no homozygotes.

Submissions (3):

Labcorp Genetics (formerly Invitae), Labcorp
Classification: Uncertain significance for Pityriasis rubra pilaris; Psoriasis 2. Last evaluated: 2025-10-12. Review status: criteria provided, single submitter. Criteria: Invitae Variant Classification Sherloc (09022015). Collection method: clinical testing. Allele origin: germline.
Comment: This sequence change replaces methionine, which is neutral and non-polar, with threonine, which is neutral and polar, at codon 617 of the CARD14 protein (p.Met617Thr). This variant is present in population databases (rs145521869, gnomAD 0.008%). This variant has not been reported in the literature in individuals affected with CARD14-related conditions. ClinVar contains an entry for this variant (Variation ID: 850343). Invitae Evidence Modeling of protein sequence and biophysical properties (such as structural, functional, and spatial information, amino acid conservation, physicochemical variation, residue mobility, and thermodynamic stability) indicates that this missense variant is not expected to disrupt CARD14 protein function with a negative predictive value of 95%. In summary, the available evidence is currently insufficient to determine the role of this variant in disease. Therefore, it has been classified as a Variant of Uncertain Significance.

Ambry Genetics
Classification: Uncertain significance for Inborn genetic diseases. Last evaluated: 2025-07-15. Review status: criteria provided, single submitter. Criteria: Ambry Variant Classification Scheme 2023. Collection method: clinical testing. Allele origin: germline.

Genome Diagnostics Laboratory, The Hospital for Sick Children
Classification: Uncertain significance for Autoinflammatory syndrome. Last evaluated: 2020-04-01. Review status: criteria provided, single submitter. Criteria: ACMG Guidelines, 2015. Collection method: clinical testing. Allele origin: germline. Affected: yes.